The following is an entry in ClinVar:

NC_000001.11:g.(?_216078079)_(216078372_?)del

Genes: USH2A (usherin; minus strand), USH2A-AS2 (USH2A antisense RNA 2; plus strand). Cytogenetic location: 1q41.
Variant type: Deletion.
Identifiers: ClinVar variation 647464 (VCV000647464.2).

ClinVar aggregate classification (germline): Pathogenic (1 of 4 stars; one submission).

Submission:

Labcorp Genetics (formerly Invitae), Labcorp
Classification: Pathogenic. Last evaluated: 2019-07-06. Review status: criteria provided, single submitter. Criteria: Invitae Variant Classification Sherloc (09022015). Collection method: clinical testing. Allele origin: germline.
Comment: This variant is an out-of-frame deletion of the genomic region encompassing exon 27 of the USH2A gene. This is expected to create a premature translational stop signal and result in an absent or disrupted protein product. The deletion of USH2A exon 27 has been observed in individuals affected with USH2A-related conditions (PMID: 24043777, 23924366). Loss-of-function variants in USH2A are known to be pathogenic (PMID: 10729113, 10909849, 20507924, 25649381). For these reasons, this variant has been classified as Pathogenic.

Literature cited by the submitters: PubMed 23924366; PubMed 24043777.